The following is an entry in ClinVar:

ClinVar aggregate classification (germline): Uncertain significance. Review status: criteria provided, multiple submitters, no conflicts (2 of 4 stars). 3 submissions from 3 submitters: Uncertain significance (3). Last evaluated 2023-10-09.

Conditions:
Hereditary cancer-predisposing syndrome. Also called: Hereditary neoplastic syndrome; Neoplastic Syndromes, Hereditary; Tumor predisposition; Hereditary Cancer Syndrome. Identifiers: Orphanet 140162, MedGen C0027672, MeSH D009386, MONDO:0015356.
Microcephaly, normal intelligence and immunodeficiency (NBS). Also called: IMMUNODEFICIENCY, MICROCEPHALY, AND CHROMOSOMAL INSTABILITY; SEEMANOVA SYNDROME II; Nijmegen breakage syndrome; Microcephaly with normal intelligence immunodeficiency and lymphoreticular malignancies; Nonsyndromal microcephaly autosomal recessive with normal intelligence; Seemanova syndrome 2. Identifiers: Orphanet 647, MedGen C0398791, MONDO:0009623, OMIM 251260.

Allele frequency attached by ClinVar (database versions not stated): TOPMed below 0.00001; gnomAD 0.00001.

Submissions (3):

Ambry Genetics
Classification: Uncertain significance for Hereditary cancer-predisposing syndrome. Last evaluated: 2023-10-09. Review status: criteria provided, single submitter. Criteria: Ambry Variant Classification Scheme 2023. Collection method: clinical testing. Allele origin: germline.
Comment: The p.K579E variant (also known as c.1735A>G), located in coding exon 11 of the NBN gene, results from an A to G substitution at nucleotide position 1735. The lysine at codon 579 is replaced by glutamic acid, an amino acid with similar properties. This amino acid position is conserved. In addition, this alteration is predicted to be tolerated by in silico analysis. Since supporting evidence is limited at this time, the clinical significance of this alteration remains unclear.

Labcorp Genetics (formerly Invitae), Labcorp
Classification: Uncertain significance for Microcephaly, normal intelligence and immunodeficiency. Last evaluated: 2023-08-22. Review status: criteria provided, single submitter. Criteria: Invitae Variant Classification Sherloc (09022015). Collection method: clinical testing. Allele origin: germline.
Comment: This variant has not been reported in the literature in individuals affected with NBN-related conditions. In summary, the available evidence is currently insufficient to determine the role of this variant in disease. Therefore, it has been classified as a Variant of Uncertain Significance. Algorithms developed to predict the effect of missense changes on protein structure and function output the following: SIFT: "Not Available"; PolyPhen-2: "Benign"; Align-GVGD: "Not Available". The glutamic acid amino acid residue is found in multiple mammalian species, which suggests that this missense change does not adversely affect protein function. ClinVar contains an entry for this variant (Variation ID: 461520). This variant is not present in population databases (gnomAD no frequency). This sequence change replaces lysine, which is basic and polar, with glutamic acid, which is acidic and polar, at codon 579 of the NBN protein (p.Lys579Glu).

Genome-Nilou Lab
Classification: Uncertain significance for Microcephaly, normal intelligence and immunodeficiency. Last evaluated: 2021-11-07. Review status: criteria provided, single submitter. Criteria: ACMG Guidelines, 2015. Collection method: clinical testing. Allele origin: germline. Affected: no.

NM_002485.5(NBN):c.1735A>G (p.Lys579Glu)

Gene: NBN (nibrin; minus strand). Cytogenetic location: 8q21.3.
Variant type: single nucleotide variant.
Coding change: c.1735A>G on transcript NM_002485.5 (MANE Select); coding-DNA position 1735, A replaced by G.
Protein change: p.Lys579Glu; replaces lysine 579 with glutamic acid.
Molecular consequence: missense variant.
Genome position (GRCh38, 1-based): chr8:89,953,354, T>C on the plus strand (A>G on the coding strand, the complement: NBN is on the minus strand). VCF-style: chr8-89953354-T-C. GRCh37 (hg19) VCF-style: chr8-90965582-T-C.
Other names: c.1489A>G, p.Lys497Glu (NM_001024688.3); short protein forms K579E, K497E.
Identifiers: ClinVar variation 461520 (VCV000461520.14), dbSNP rs993110145, ClinGen allele CA181257688.